The following is an entry in ClinVar:

NM_000081.4(LYST):c.1857T>G (p.Ile619Met)

Gene: LYST (lysosomal trafficking regulator; minus strand). Cytogenetic location: 1q42.3.
Variant type: single nucleotide variant.
Coding change: c.1857T>G on transcript NM_000081.4 (MANE Select); coding-DNA position 1857, T replaced by G.
Protein change: p.Ile619Met; replaces isoleucine 619 with methionine.
Molecular consequence: missense variant.
Genome position (GRCh38, 1-based): chr1:235,808,961, A>C on the plus strand (T>G on the coding strand, the complement: LYST is on the minus strand). VCF-style: chr1-235808961-A-C. GRCh37 (hg19) VCF-style: chr1-235972261-A-C.
Other names: c.1857T>G, p.Ile619Met (NM_001301365.1); short protein forms I619M.
Identifiers: ClinVar variation 1941808 (VCV001941808.2), dbSNP rs762442807, ClinGen allele CA1467390.

ClinVar aggregate classification (germline): Uncertain significance (1 of 4 stars; one submission).

Conditions:
Chédiak-Higashi syndrome (CHS). Also called: Chediak-Higashi Syndrome. Identifiers: Orphanet 167, MedGen C0007965, MONDO:0008963, OMIM 214500.

Allele frequency attached by ClinVar (database versions not stated): gnomAD 0.00001; gnomAD exomes 0.00002; ExAC 0.00003.
gnomAD v4.1: 26 of 1,613,844 alleles (0.0016%); highest among the groups gnomAD compares: South Asian, 0.027%; no homozygotes.

Submission:

Labcorp Genetics (formerly Invitae), Labcorp
Classification: Uncertain significance for Chédiak-Higashi syndrome. Last evaluated: 2022-09-14. Review status: criteria provided, single submitter. Criteria: Invitae Variant Classification Sherloc (09022015). Collection method: clinical testing. Allele origin: germline.
Comment: This sequence change replaces isoleucine, which is neutral and non-polar, with methionine, which is neutral and non-polar, at codon 619 of the LYST protein (p.Ile619Met). This variant is present in population databases (rs762442807, gnomAD 0.05%). This variant has not been reported in the literature in individuals affected with LYST-related conditions. Advanced modeling of protein sequence and biophysical properties (such as structural, functional, and spatial information, amino acid conservation, physicochemical variation, residue mobility, and thermodynamic stability) performed at Invitae indicates that this missense variant is not expected to disrupt LYST protein function. In summary, the available evidence is currently insufficient to determine the role of this variant in disease. Therefore, it has been classified as a Variant of Uncertain Significance.